The following is an entry in ClinVar:

ClinVar aggregate classification (germline): Uncertain significance (1 of 4 stars; one submission).

Conditions:
Mitochondrial hypertrophic cardiomyopathy with lactic acidosis due to MTO1 deficiency. Also called: Combined oxidative phosphorylation deficiency 10; CARDIOMYOPATHY, INFANTILE HYPERTROPHIC MITOCHONDRIAL, AND LACTIC ACIDOSIS. Identifiers: Orphanet 314637, MedGen C4749921, MONDO:0013865, OMIM 614702.

Allele frequency attached by ClinVar (database versions not stated): gnomAD exomes below 0.00001.

Submission:

Labcorp Genetics (formerly Invitae), Labcorp
Classification: Uncertain significance for Mitochondrial hypertrophic cardiomyopathy with lactic acidosis due to MTO1 deficiency. Last evaluated: 2022-03-11. Review status: criteria provided, single submitter. Criteria: Invitae Variant Classification Sherloc (09022015). Collection method: clinical testing. Allele origin: germline.
Comment: This variant has not been reported in the literature in individuals affected with MTO1-related conditions. This variant is not present in population databases (gnomAD no frequency). This sequence change replaces leucine, which is neutral and non-polar, with valine, which is neutral and non-polar, at codon 614 of the MTO1 protein (p.Leu614Val). Algorithms developed to predict the effect of missense changes on protein structure and function are either unavailable or do not agree on the potential impact of this missense change (SIFT: "Tolerated"; PolyPhen-2: "Possibly Damaging"; Align-GVGD: "Class C0"). In summary, the available evidence is currently insufficient to determine the role of this variant in disease. Therefore, it has been classified as a Variant of Uncertain Significance.

NM_012123.4(MTO1):c.1840C>G (p.Leu614Val)

Gene: MTO1 (mitochondrial tRNA translation optimization 1; plus strand). Cytogenetic location: 6q13.
Variant type: single nucleotide variant.
Coding change: c.1840C>G on transcript NM_012123.4 (MANE Select); coding-DNA position 1840, C replaced by G.
Protein change: p.Leu614Val; replaces leucine 614 with valine.
Molecular consequence: missense variant.
Genome position (GRCh38, 1-based): chr6:73,497,819, C>G. VCF-style: chr6-73497819-C-G. GRCh37 (hg19) VCF-style: chr6-74207542-C-G.
Other names: c.1960C>G, p.Leu654Val (NM_001123226.2); c.1915C>G, p.Leu639Val (NM_133645.3); short protein forms L614V, L639V, L654V.
Identifiers: ClinVar variation 2108847 (VCV002108847.4), dbSNP rs2150044988, ClinGen allele CA364701029.